The following is an entry in ClinVar:

NM_000088.4(COL1A1):c.333+1G>A

Gene: COL1A1 (collagen type I alpha 1 chain; minus strand). Cytogenetic location: 17q21.33.
Variant type: single nucleotide variant.
Coding change: c.333+1G>A on transcript NM_000088.4 (MANE Select); the canonical splice donor site of the intron after coding-DNA position 333, G replaced by A.
Molecular consequence: splice donor variant.
Genome position (GRCh38, 1-based): chr17:50,199,555, C>T on the plus strand (G>A on the coding strand, the complement: COL1A1 is on the minus strand). VCF-style: chr17-50199555-C-T. GRCh37 (hg19) VCF-style: chr17-48276916-C-T.
Identifiers: ClinVar variation 1379088 (VCV001379088.8), dbSNP rs2144592402, ClinGen allele CA400227774.

ClinVar aggregate classification (germline): Pathogenic (1 of 4 stars; one submission).

Conditions:
Osteogenesis imperfecta type I (OI1). Also called: Lobstein disease; Osteogenesis imperfecta type 1; Lobstein's Disease; OI, TYPE I; OSTEOGENESIS IMPERFECTA TARDA; OSTEOGENESIS IMPERFECTA WITH BLUE SCLERAE. Identifiers: Orphanet 216796, Orphanet 666, MedGen C0023931, MONDO:0008146, OMIM 166200. Disease mechanism: loss of function.

Submission:

Labcorp Genetics (formerly Invitae), Labcorp
Classification: Pathogenic for Osteogenesis imperfecta type I. Last evaluated: 2025-03-07. Review status: criteria provided, single submitter. Criteria: Invitae Variant Classification Sherloc (09022015). Collection method: clinical testing. Allele origin: germline.
Comment: This sequence change affects a donor splice site in intron 3 of the COL1A1 gene. It is expected to disrupt RNA splicing. Variants that disrupt the donor or acceptor splice site typically lead to a loss of protein function (PMID: 16199547), and loss-of-function variants in COL1A1 are known to be pathogenic (PMID: 7942841, 9295084, 9443882). This variant is not present in population databases (gnomAD no frequency). Disruption of this splice site has been observed in individuals with osteogenesis imperfecta (PMID: 25963598, 30715774). ClinVar contains an entry for this variant (Variation ID: 1379088). Algorithms developed to predict the effect of sequence changes on RNA splicing suggest that this variant may disrupt the consensus splice site. For these reasons, this variant has been classified as Pathogenic.

Literature cited by the submitters: PubMed 16199547; PubMed 7942841; PubMed 9295084; PubMed 9443882; PubMed 25963598; PubMed 30715774.